The following is an entry in ClinVar:

NM_017534.6(MYH2):c.3460G>A (p.Glu1154Lys)

Genes: MYH2 (myosin heavy chain 2; minus strand), MYHAS (myosin heavy chain gene cluster antisense RNA; plus strand). Cytogenetic location: 17p13.1.
Variant type: single nucleotide variant.
Coding change: c.3460G>A on transcript NM_017534.6 (MANE Select); coding-DNA position 3460, G replaced by A.
Protein change: p.Glu1154Lys; replaces glutamic acid 1154 with lysine.
Molecular consequence: missense variant.
Genome position (GRCh38, 1-based): chr17:10,528,974, C>T on the plus strand (G>A on the coding strand, the complement: MYH2 is on the minus strand). VCF-style: chr17-10528974-C-T. GRCh37 (hg19) VCF-style: chr17-10432291-C-T.
Other names: c.3460G>A, p.Glu1154Lys (NM_001100112.2); short protein forms E1154K.
Identifiers: ClinVar variation 617568 (VCV000617568.8), dbSNP rs376357016, ClinGen allele CA8390889.

ClinVar aggregate classification (germline): Conflicting classifications of pathogenicity. Review status: criteria provided, conflicting classifications (1 of 4 stars). 3 submissions from 3 submitters: Likely pathogenic (1); Uncertain significance (2). Last evaluated 2024-04-13.

Conditions:
Myopathy, proximal, and ophthalmoplegia (CMYO6). Also called: INCLUSION BODY MYOPATHY 3, AUTOSOMAL DOMINANT; MYOPATHY WITH CONGENITAL JOINT CONTRACTURES, OPHTHALMOPLEGIA, AND RIMMED VACUOLES; CONGENITAL MYOPATHY 6 WITH OPHTHALMOPLEGIA. Identifiers: Orphanet 363677, Orphanet 79091, MedGen C1854106, MONDO:0011577, OMIM 605637.

Allele frequency attached by ClinVar (database versions not stated): gnomAD exomes 0.00001 and 0.00002; gnomAD 0.00002; ExAC 0.00003; TOPMed 0.00004; ESP Exome Variant Server 0.00008.
gnomAD v4.1: 26 of 1,614,058 alleles (0.0016%); highest among the groups gnomAD compares: Admixed American, 0.005%; no homozygotes.

Submissions (3):

Labcorp Genetics (formerly Invitae), Labcorp
Classification: Uncertain significance for Myopathy, proximal, and ophthalmoplegia. Last evaluated: 2024-04-13. Review status: criteria provided, single submitter. Criteria: Invitae Variant Classification Sherloc (09022015). Collection method: clinical testing. Allele origin: germline.
Comment: This sequence change replaces glutamic acid, which is acidic and polar, with lysine, which is basic and polar, at codon 1154 of the MYH2 protein (p.Glu1154Lys). This variant is present in population databases (rs376357016, gnomAD 0.006%). This variant has not been reported in the literature in individuals affected with MYH2-related conditions. ClinVar contains an entry for this variant (Variation ID: 617568). Advanced modeling of protein sequence and biophysical properties (such as structural, functional, and spatial information, amino acid conservation, physicochemical variation, residue mobility, and thermodynamic stability) performed at Invitae indicates that this missense variant is expected to disrupt MYH2 protein function with a positive predictive value of 80%. In summary, the available evidence is currently insufficient to determine the role of this variant in disease. Therefore, it has been classified as a Variant of Uncertain Significance.

Revvity Omics, Revvity
Classification: Uncertain significance for Myopathy, proximal, and ophthalmoplegia. Last evaluated: 2019-11-05. Review status: criteria provided, single submitter. Criteria: ACMG Guidelines, 2015. Collection method: clinical testing. Allele origin: germline.

NeuroMeGen, Hospital Clinico Santiago de Compostela
Classification: Likely pathogenic for Myopathy, proximal, and ophthalmoplegia. Last evaluated: 2018-10-08. Review status: criteria provided, single submitter. Criteria: ACMG Guidelines, 2015. Collection method: clinical testing. Allele origin: de novo. Affected: yes. Observed: 1 heterozygote.